The following is an entry in ClinVar:

NM_144670.6(A2ML1):c.4355C>T (p.Pro1452Leu)

Gene: A2ML1 (alpha-2-macroglobulin like 1; plus strand). Cytogenetic location: 12p13.31.
Variant type: single nucleotide variant.
Coding change: c.4355C>T on transcript NM_144670.6 (MANE Select); coding-DNA position 4355, C replaced by T.
Protein change: p.Pro1452Leu; replaces proline 1452 with leucine.
Molecular consequence: missense variant.
Genome position (GRCh38, 1-based): chr12:8,875,001, C>T. VCF-style: chr12-8875001-C-T. GRCh37 (hg19) VCF-style: chr12-9027597-C-T.
Other names: c.2882C>T, p.Pro961Leu (NM_001282424.3); short protein forms P1452L, P961L.
Identifiers: ClinVar variation 3229216 (VCV003229216.1), dbSNP rs1288040844, ClinGen allele CA383814942.
Genomic context (GRCh38, chr12:8,875,001, plus strand): 5'-AGTAATAATATGACTTATTTCATTTCACAGATGAACAGGCAACAATTCAGTATTCTGATC[C>T]CTGTGAATGAGGTAAGTCCAGCGGAGAAATGGGTGGAGTTATGGGTTAGGGTGGCAGAAG-3'
Protein context (NP_653271.3, residues 1442-1454): DEQATIQYSD[Pro1452Leu]CE

ClinVar aggregate classification (germline): Uncertain significance (1 of 4 stars; one submission).

Allele frequency attached by ClinVar (database versions not stated): gnomAD exomes below 0.00001.
gnomAD v4.1: 1 of 1,613,976 alleles (0.000062%); highest among the groups gnomAD compares: East Asian, 0.0022%; no homozygotes.

Submission:

Ambry Genetics
Classification: Uncertain significance. Last evaluated: 2023-12-30. Review status: criteria provided, single submitter. Criteria: Ambry Variant Classification Scheme 2023. Collection method: clinical testing. Allele origin: germline.
Comment: The p.P1452L variant (also known as c.4355C>T), located in coding exon 35 of the A2ML1 gene, results from a C to T substitution at nucleotide position 4355. The proline at codon 1452 is replaced by leucine, an amino acid with similar properties. This amino acid position is conserved. In addition, this alteration is predicted to be tolerated by in silico analysis. Since supporting evidence is limited at this time, the clinical significance of this alteration remains unclear.